The following is an entry in ClinVar:

ClinVar aggregate classification (germline): Uncertain significance (1 of 4 stars; one submission).

gnomAD v4.1: 14 of 1,613,966 alleles (0.00087%); highest among the groups gnomAD compares: African/African-American, 0.0013%; no homozygotes.

Submission:

Labcorp Genetics (formerly Invitae), Labcorp
Classification: Uncertain significance. Last evaluated: 2024-09-02. Review status: criteria provided, single submitter. Criteria: Invitae Variant Classification Sherloc (09022015). Collection method: clinical testing. Allele origin: germline.
Comment: This sequence change replaces proline, which is neutral and non-polar, with threonine, which is neutral and polar, at codon 52 of the IL18BP protein (p.Pro52Thr). This variant is present in population databases (rs377351472, gnomAD 0.007%). This variant has not been reported in the literature in individuals affected with IL18BP-related conditions. An algorithm developed to predict the effect of missense changes on protein structure and function (PolyPhen-2) suggests that this variant is likely to be tolerated. In summary, the available evidence is currently insufficient to determine the role of this variant in disease. Therefore, it has been classified as a Variant of Uncertain Significance.

NM_001039660.2(IL18BP):c.154C>A (p.Pro52Thr)

Gene: IL18BP (interleukin 18 binding protein; plus strand). Cytogenetic location: 11q13.4.
Variant type: single nucleotide variant.
Coding change: c.154C>A on transcript NM_001039660.2 (MANE Select); coding-DNA position 154, C replaced by A.
Protein change: p.Pro52Thr; replaces proline 52 with threonine.
Molecular consequence: missense variant.
Genome position (GRCh38, 1-based): chr11:72,000,476, C>A. VCF-style: chr11-72000476-C-A. GRCh37 (hg19) VCF-style: chr11-71711522-C-A.
Other names: c.154C>A, p.Pro52Thr (NM_001039659.2, NM_001145055.1, NM_001145057.1 and 3 more transcripts); short protein forms P52T.
Identifiers: ClinVar variation 3631134 (VCV003631134.2).